The following is an entry in ClinVar:

ClinVar aggregate classification (germline): Uncertain significance. Review status: criteria provided, multiple submitters, no conflicts (2 of 4 stars). 2 submissions from 2 submitters: Uncertain significance (2). Last evaluated 2025-08-28.

Allele frequency attached by ClinVar (database versions not stated): ExAC 0.00002; TOPMed 0.00002; gnomAD 0.00003; gnomAD exomes 0.00006; ESP Exome Variant Server 0.00015.
gnomAD v4.1: 93 of 1,613,222 alleles (0.0058%); highest among the groups gnomAD compares: Non-Finnish European, 0.0078%; no homozygotes.

Submissions (2):

Ambry Genetics
Classification: Uncertain significance. Last evaluated: 2025-08-28. Review status: criteria provided, single submitter. Criteria: Ambry Variant Classification Scheme 2023. Collection method: clinical testing. Allele origin: germline.

Labcorp Genetics (formerly Invitae), Labcorp
Classification: Uncertain significance. Last evaluated: 2022-11-06. Review status: criteria provided, single submitter. Criteria: Invitae Variant Classification Sherloc (09022015). Collection method: clinical testing. Allele origin: germline.
Comment: This sequence change replaces glutamic acid, which is acidic and polar, with glycine, which is neutral and non-polar, at codon 218 of the SUCO protein (p.Glu218Gly). This variant is present in population databases (rs377608047, gnomAD 0.006%). This variant has not been reported in the literature in individuals affected with SUCO-related conditions. Algorithms developed to predict the effect of missense changes on protein structure and function are either unavailable or do not agree on the potential impact of this missense change (SIFT: "Deleterious"; PolyPhen-2: "Benign"; Align-GVGD: "Class C0"). In summary, the available evidence is currently insufficient to determine the role of this variant in disease. Therefore, it has been classified as a Variant of Uncertain Significance.

NM_014283.5(SUCO):c.653A>G (p.Glu218Gly)

Gene: SUCO (SUN domain containing ossification factor; plus strand). Cytogenetic location: 1q24.3.
Variant type: single nucleotide variant.
Coding change: c.653A>G on transcript NM_014283.5 (MANE Select); coding-DNA position 653, A replaced by G.
Protein change: p.Glu218Gly; replaces glutamic acid 218 with glycine.
Molecular consequence: missense variant. On other transcripts: 5 prime UTR variant (1).
Genome position (GRCh38, 1-based): chr1:172,557,715, A>G. VCF-style: chr1-172557715-A-G. GRCh37 (hg19) VCF-style: chr1-172526855-A-G.
Other names: c.542A>G, p.Glu181Gly (NM_001282750.2); c.-877A>G (NM_001282751.2); c.1127A>G, p.Glu376Gly (NM_016227.4); short protein forms E218G, E181G, E376G.
Identifiers: ClinVar variation 2223043 (VCV002223043.6), dbSNP rs377608047, ClinGen allele CA1246607.